The following is an entry in ClinVar:

NM_024675.4(PALB2):c.3204G>C (p.Gly1068=)

Gene: PALB2 (partner and localizer of BRCA2; minus strand). Cytogenetic location: 16p12.2.
Variant type: single nucleotide variant.
Coding change: c.3204G>C on transcript NM_024675.4 (MANE Select); coding-DNA position 3204, G replaced by C.
Protein change: p.Gly1068=; no amino-acid change (glycine 1068 retained).
Molecular consequence: synonymous variant. On other transcripts: intron variant (8).
Genome position (GRCh38, 1-based): chr16:23,608,010, C>G on the plus strand (G>C on the coding strand, the complement: PALB2 is on the minus strand). VCF-style: chr16-23608010-C-G. GRCh37 (hg19) VCF-style: chr16-23619331-C-G.
Other names: c.3144G>C, p.Gly1048= (NM_001407296.1); c.3132G>C, p.Gly1044= (NM_001407297.1); c.3042G>C, p.Gly1014= (NM_001407298.1); c.2925G>C, p.Gly975= (NM_001407300.1); c.2319G>C, p.Gly773= (NM_001407304.1, NM_001407305.1, NM_001407306.1); c.2157G>C, p.Gly719= (NM_001407307.1); c.1416G>C, p.Gly472= (NM_001407312.1); c.738G>C, p.Gly246= (NM_001407314.1); and 6 more.
Identifiers: ClinVar variation 3904092 (VCV003904092.1).

ClinVar aggregate classification (germline): Benign (1 of 4 stars; one submission).

Conditions:
Familial cancer of breast. Also called: Hereditary breast cancer; hereditary breast carcinoma; BREAST CANCER, FAMILIAL. Identifiers: Orphanet 227535, MedGen C0346153, MONDO:0016419, OMIM 114480. Disease mechanism: loss of function.

Submission:

Myriad Genetics, Inc.
Classification: Benign for Familial cancer of breast. Last evaluated: 2025-01-21. Review status: criteria provided, single submitter. Criteria: Myriad Autosomal Dominant, Autosomal Recessive and X-Linked Classification Criteria (2023). Collection method: clinical testing. Allele origin: unknown.
Comment: This variant is considered benign. This variant is a silent/synonymous amino acid change and it is not expected to impact splicing.